The following is an entry in ClinVar:

NM_000271.5(NPC1):c.2818T>C (p.Ser940Pro)

Gene: NPC1 (NPC intracellular cholesterol transporter 1; minus strand). Cytogenetic location: 18q11.2.
Variant type: single nucleotide variant.
Coding change: c.2818T>C on transcript NM_000271.5 (MANE Select); coding-DNA position 2818, T replaced by C.
Protein change: p.Ser940Pro; replaces serine 940 with proline.
Molecular consequence: missense variant.
Genome position (GRCh38, 1-based): chr18:23,539,448, A>G on the plus strand (T>C on the coding strand, the complement: NPC1 is on the minus strand). VCF-style: chr18-23539448-A-G. GRCh37 (hg19) VCF-style: chr18-21119412-A-G.
Other names: short protein forms S940P.
Identifiers: ClinVar variation 2810311 (VCV002810311.3), dbSNP rs2511210759, ClinGen allele CA401792572.

ClinVar aggregate classification (germline): Likely pathogenic (1 of 4 stars; one submission).

Conditions:
Niemann-Pick disease, type C1. Also called: NIEMANN-PICK DISEASE, VARIANT TYPE C1; NEUROVISCERAL STORAGE DISEASE WITH VERTICAL SUPRANUCLEAR OPHTHALMOPLEGIA; NIEMANN-PICK DISEASE WITH CHOLESTEROL ESTERIFICATION BLOCK; NIEMANN-PICK DISEASE WITHOUT SPHINGOMYELINASE DEFICIENCY; NIEMANN-PICK DISEASE, CHRONIC NEURONOPATHIC FORM. Identifiers: Orphanet 646, MedGen C3179455, MONDO:0009757, OMIM 257220.

Submission:

Labcorp Genetics (formerly Invitae), Labcorp
Classification: Likely pathogenic for Niemann-Pick disease, type C1. Last evaluated: 2022-10-28. Review status: criteria provided, single submitter. Criteria: Invitae Variant Classification Sherloc (09022015). Collection method: clinical testing. Allele origin: germline.
Comment: This variant is not present in population databases (gnomAD no frequency). In summary, the currently available evidence indicates that the variant is pathogenic, but additional data are needed to prove that conclusively. Therefore, this variant has been classified as Likely Pathogenic. This variant disrupts the p.Ser940 amino acid residue in NPC1. Other variant(s) that disrupt this residue have been determined to be pathogenic (PMID: 26790753, 28105569, 28710748, 32138288). This suggests that this residue is clinically significant, and that variants that disrupt this residue are likely to be disease-causing. Advanced modeling of protein sequence and biophysical properties (such as structural, functional, and spatial information, amino acid conservation, physicochemical variation, residue mobility, and thermodynamic stability) performed at Invitae indicates that this missense variant is expected to disrupt NPC1 protein function. This variant has not been reported in the literature in individuals affected with NPC1-related conditions. This sequence change replaces serine, which is neutral and polar, with proline, which is neutral and non-polar, at codon 940 of the NPC1 protein (p.Ser940Pro).

Literature cited by the submitters: PubMed 26790753; PubMed 28105569; PubMed 28710748; PubMed 32138288.